The following is an entry in ClinVar:

NC_000007.14:g.75915137A>C

Genes: POR (cytochrome p450 oxidoreductase; plus strand), LOC129998680 (ATAC-STARR-seq lymphoblastoid silent region 18302; plus strand). Cytogenetic location: 7q11.23.
Variant type: single nucleotide variant.
Genome position: GRCh38 VCF-style: chr7-75915137-A-C. GRCh37 (hg19) VCF-style: chr7-75544455-A-C.
Identifiers: ClinVar variation 360686 (VCV000360686.8), dbSNP rs3823884, ClinGen allele CA10629428.
Genomic context (GRCh38, chr7:75,915,137, plus strand): 5'-CCACGCCCCCACCCCCGCGGCCGGCGAAGGCGGTGGTAGCGCCTCAGTGGTGTGGGCCTG[A>C]GCCCTGCCCAGGTGCCCGCAGAGAGCAGCCGGGCTGCCAGCGGTGAGTGCTATCTTTCGC-3'

ClinVar aggregate classification (germline): Benign. Review status: criteria provided, multiple submitters, no conflicts (2 of 4 stars). 3 submissions from 3 submitters: Benign (3). Last evaluated 2018-01-12.

Conditions:
Congenital adrenal hyperplasia due to cytochrome P450 oxidoreductase deficiency. Also called: DISORDERED STEROIDOGENESIS DUE TO POR DEFICIENCY. Identifiers: Orphanet 95699, MedGen C1860042, MONDO:0013310, OMIM 613571.

Allele frequency attached by ClinVar (database versions not stated): gnomAD exomes 0.29480; gnomAD 0.44060 and 0.44962; TOPMed 0.46616; 1000 Genomes Project 0.48363; 1000 Genomes Project 30x 0.49282.

Submissions (3):

Illumina Laboratory Services, Illumina
Classification: Benign for Congenital adrenal hyperplasia due to cytochrome P450 oxidoreductase deficiency. Last evaluated: 2018-01-12. Review status: criteria provided, single submitter. Criteria: ICSL Variant Classification Criteria 13 December 2019. Collection method: clinical testing. Allele origin: germline.
Comment: This variant was observed in the ICSL laboratory as part of a predisposition screen in an ostensibly healthy population. It had not been previously curated by ICSL or reported in the Human Gene Mutation Database (HGMD: prior to June 1st, 2018), and was therefore a candidate for classification through an automated scoring system. Utilizing variant allele frequency, disease prevalence and penetrance estimates, and inheritance mode, an automated score was calculated to assess if this variant is too frequent to cause the disease. Based on the score and internal cut-off values, a variant classified as benign is not then subjected to further curation. The score for this variant resulted in a classification of benign for this disease.

GeneDx
Classification: Benign. Last evaluated: 2015-03-03. Review status: criteria provided, single submitter. Criteria: GeneDx Variant Classification Process June 2021. Collection method: clinical testing. Allele origin: germline. Affected: yes.

Breakthrough Genomics
Classification: Benign. Review status: criteria provided, single submitter. Criteria: ACMG Guidelines, 2015. Collection method: not provided. Allele origin: germline. Inheritance: Autosomal recessive inheritance. Affected: yes.